The following is an entry in ClinVar:

ClinVar aggregate classification (germline): Uncertain significance. Review status: criteria provided, multiple submitters, no conflicts (2 of 4 stars). 4 submissions from 4 submitters: Uncertain significance (4). Last evaluated 2024-03-06.

Conditions:
Familial cancer of breast. Also called: Hereditary breast cancer; hereditary breast carcinoma; BREAST CANCER, FAMILIAL. Identifiers: Orphanet 227535, MedGen C0346153, MONDO:0016419, OMIM 114480. Disease mechanism: loss of function.
Hereditary cancer-predisposing syndrome. Also called: Hereditary Cancer Syndrome; Neoplastic Syndromes, Hereditary; Hereditary neoplastic syndrome; Tumor predisposition. Identifiers: Orphanet 140162, MedGen C0027672, MeSH D009386, MONDO:0015356.
Ataxia-telangiectasia syndrome (AT). Also called: Cerebello-oculocutaneous telangiectasia; Immunodeficiency with ataxia telangiectasia; Ataxia-telangiectasia, complementation group E; Ataxia-telangiectasia, complementation group D; AT, COMPLEMENTATION GROUP C; ATAXIA-TELANGIECTASIA, COMPLEMENTATION GROUP A. Identifiers: Orphanet 100, MedGen C0004135, MONDO:0008840, OMIM 208900.

Submissions (4):

Color Diagnostics, LLC DBA Color Health
Classification: Uncertain significance for Hereditary cancer-predisposing syndrome. Last evaluated: 2024-03-06. Review status: criteria provided, single submitter. Criteria: ACMG Guidelines, 2015. Collection method: clinical testing. Allele origin: germline.
Comment: This missense variant replaces alanine with serine at codon 911 of the ATM protein. Computational prediction suggests that this variant may not impact protein structure and function (internally defined REVEL score threshold <= 0.5, PMID: 27666373). To our knowledge, functional studies have not been reported for this variant. This variant has not been reported in individuals affected with hereditary cancer in the literature. This variant has not been identified in the general population by the Genome Aggregation Database (gnomAD). The available evidence is insufficient to determine the role of this variant in disease conclusively. Therefore, this variant is classified as a Variant of Uncertain Significance.

Baylor Genetics
Classification: Uncertain significance for Familial cancer of breast. Last evaluated: 2023-06-05. Review status: criteria provided, single submitter. Criteria: ACMG Guidelines, 2015. Collection method: clinical testing. Allele origin: unknown.

Labcorp Genetics (formerly Invitae), Labcorp
Classification: Uncertain significance for Ataxia-telangiectasia syndrome. Last evaluated: 2023-03-31. Review status: criteria provided, single submitter. Criteria: Invitae Variant Classification Sherloc (09022015). Collection method: clinical testing. Allele origin: germline.
Comment: In summary, the available evidence is currently insufficient to determine the role of this variant in disease. Therefore, it has been classified as a Variant of Uncertain Significance. This sequence change replaces alanine, which is neutral and non-polar, with serine, which is neutral and polar, at codon 911 of the ATM protein (p.Ala911Ser). This variant is not present in population databases (gnomAD no frequency). This variant has not been reported in the literature in individuals affected with ATM-related conditions. ClinVar contains an entry for this variant (Variation ID: 821729). Algorithms developed to predict the effect of missense changes on protein structure and function output the following: SIFT: "Not Available"; PolyPhen-2: "Benign"; Align-GVGD: "Not Available". The serine amino acid residue is found in multiple mammalian species, which suggests that this missense change does not adversely affect protein function.

Ambry Genetics
Classification: Uncertain significance for Hereditary cancer-predisposing syndrome. Last evaluated: 2019-01-25. Review status: criteria provided, single submitter. Criteria: Ambry Variant Classification Scheme 2023. Collection method: clinical testing. Allele origin: germline.
Comment: The p.A911S variant (also known as c.2731G>T), located in coding exon 17 of the ATM gene, results from a G to T substitution at nucleotide position 2731. The alanine at codon 911 is replaced by serine, an amino acid with similar properties. This amino acid position is not well conserved in available vertebrate species, and serine is the reference amino acid in other vertebrate species. In addition, this alteration is predicted to be tolerated by in silico analysis. Since supporting evidence is limited at this time, the clinical significance of this alteration remains unclear.

NM_000051.4(ATM):c.2731G>T (p.Ala911Ser)

Gene: ATM (ATM serine/threonine kinase; plus strand). Cytogenetic location: 11q22.3.
Variant type: single nucleotide variant.
Coding change: c.2731G>T on transcript NM_000051.4 (MANE Select); coding-DNA position 2731, G replaced by T.
Protein change: p.Ala911Ser; replaces alanine 911 with serine.
Molecular consequence: missense variant.
Genome position (GRCh38, 1-based): chr11:108,268,502, G>T. VCF-style: chr11-108268502-G-T. GRCh37 (hg19) VCF-style: chr11-108139229-G-T.
Other names: c.2731G>T, p.Ala911Ser (NM_001351834.2); short protein forms A911S.
Identifiers: ClinVar variation 821729 (VCV000821729.10), dbSNP rs1591594169, ClinGen allele CA382545355.